The following is an entry in ClinVar:

NM_001366145.2(TRPM3):c.1037T>C (p.Ile346Thr)

Gene: TRPM3 (transient receptor potential cation channel subfamily M member 3; minus strand). Cytogenetic location: 9q21.12.
Variant type: single nucleotide variant.
Coding change: c.1037T>C on transcript NM_001366145.2 (MANE Select); coding-DNA position 1037, T replaced by C.
Protein change: p.Ile346Thr; replaces isoleucine 346 with threonine.
Molecular consequence: missense variant.
Genome position (GRCh38, 1-based): chr9:70,784,216, A>G on the plus strand (T>C on the coding strand, the complement: TRPM3 is on the minus strand). VCF-style: chr9-70784216-A-G. GRCh37 (hg19) VCF-style: chr9-73399132-A-G.
Other names: c.578T>C, p.Ile193Thr (NM_024971.7, NM_206944.5, NM_206945.5 and 3 more transcripts); c.653T>C, p.Ile218Thr (NM_206946.5, NM_206947.5, NM_001007470.3); c.1037T>C, p.Ile346Thr (NM_001007471.4, NM_001366146.2, NM_001366149.2 and 3 more transcripts); c.1043T>C, p.Ile348Thr (NM_001366141.2, NM_001366142.2, NM_001366143.2 and 1 more transcripts); c.1112T>C, p.Ile371Thr (NM_001366147.2, NM_001366148.2, NM_001366152.2); short protein forms I193T, I218T, I346T, I348T, I371T.
Identifiers: ClinVar variation 4881531 (VCV004881531.2).

ClinVar aggregate classification (germline): Uncertain significance (1 of 4 stars; one submission).

Conditions:
Neurodevelopmental disorder with hypotonia, dysmorphic facies, and skeletal anomalies, with or without seizures (NEDFSS). Also called: TRPM3-Related Neurodevelopmental Disorder. Identifiers: MedGen C5830244, MONDO:0859365, OMIM 620224.

gnomAD v4.1: 1 of 1,613,712 alleles (0.000062%); highest among the groups gnomAD compares: Non-Finnish European, 0.000085%; no homozygotes.

Submission:

Dasa
Classification: Uncertain significance for neurodevelopmental disorder with hypotonia, dysmorphic facies, and skeletal anomalies, with or without seizures. Last evaluated: 2025-07-20. Review status: criteria provided, single submitter. Criteria: DASA Assertion Criteria. Collection method: clinical testing. Allele origin: germline.
Comment: NM_001366145.2(TRPM3):c.1037T>C (p.Ile346Thr) is a missense variant that results in the substitution of isoleucine with threonine. This variant is rare in population databases. The currently available literature and clinical evidence are not sufficient to establish a definitive association between this variant and the reported condition. Therefore, this variant is classified as a variant of uncertain significance.